The following is an entry in ClinVar:

ClinVar aggregate classification (germline): Likely benign (0 of 4 stars; one submission).

Conditions:
NR0B2-related disorder. Also called: NR0B2-related condition.

gnomAD v4.1: 31 of 1,613,912 alleles (0.0019%); highest among the groups gnomAD compares: Non-Finnish European, 0.0025%; no homozygotes.

Submission:

PreventionGenetics, part of Exact Sciences
Classification: Likely benign for NR0B2-related condition. Last evaluated: 2022-04-11. Review status: no assertion criteria provided. Collection method: clinical testing. Allele origin: germline.
Comment: This variant is classified as likely benign based on ACMG/AMP sequence variant interpretation guidelines (Richards et al. 2015 PMID: 25741868, with internal and published modifications).

NM_021969.3(NR0B2):c.564T>C (p.Ile188=)

Genes: NR0B2 (nuclear receptor subfamily 0 group B member 2; minus strand), NUDC (nuclear distribution C, dynein complex regulator; plus strand). Cytogenetic location: 1p36.11.
Variant type: single nucleotide variant.
Coding change: c.564T>C on transcript NM_021969.3 (MANE Select); coding-DNA position 564, T replaced by C.
Protein change: p.Ile188=; no amino-acid change (isoleucine 188 retained).
Molecular consequence: synonymous variant.
Genome position (GRCh38, 1-based): chr1:26,912,055, A>G on the plus strand (T>C on the coding strand, the complement: NR0B2 is on the minus strand). VCF-style: chr1-26912055-A-G. GRCh37 (hg19) VCF-style: chr1-27238546-A-G.
Identifiers: ClinVar variation 3357839 (VCV003357839.1).
Genomic context (GRCh38, chr1:26,912,055, plus strand): 5'-TGGGCACCAGGGTTCCAGGACTTCACACAGCACCCAGTGAGCCTCCTGCTGCAGGTGCCC[A>G]ATGTGGGAGGCGGCTTGGAGGCCTGGCACATCTGTGGGCAGAGAGGGAGAAGAGGGCTGG-3'
Protein context (NP_068804.1, residues 178-198): DVPGLQAASH[Ile188=]GHLQQEAHWV